The following is an entry in ClinVar:

NM_004380.3(CREBBP):c.2918C>T (p.Pro973Leu)

Gene: CREBBP (CREB binding lysine acetyltransferase; minus strand). Cytogenetic location: 16p13.3.
Variant type: single nucleotide variant.
Coding change: c.2918C>T on transcript NM_004380.3 (MANE Select); coding-DNA position 2918, C replaced by T.
Protein change: p.Pro973Leu; replaces proline 973 with leucine.
Molecular consequence: missense variant.
Genome position (GRCh38, 1-based): chr16:3,769,316, G>A on the plus strand (C>T on the coding strand, the complement: CREBBP is on the minus strand). VCF-style: chr16-3769316-G-A. GRCh37 (hg19) VCF-style: chr16-3819317-G-A.
Other names: c.2804C>T, p.Pro935Leu (NM_001079846.1); short protein forms P935L, P973L.
Identifiers: ClinVar variation 3347398 (VCV003347398.1).

ClinVar aggregate classification (germline): Uncertain significance (0 of 4 stars; one submission).

Conditions:
CREBBP-related disorder. Also called: CREBBP-related condition; CREBBP-related disorders.

Submission:

PreventionGenetics, part of Exact Sciences
Classification: Uncertain significance for CREBBP-related condition. Last evaluated: 2024-08-08. Review status: no assertion criteria provided. Collection method: clinical testing. Allele origin: germline.
Comment: The CREBBP c.2918C>T variant is predicted to result in the amino acid substitution p.Pro973Leu. To our knowledge, this variant has not been reported in the literature or in a large population database, indicating this variant is rare. At this time, the clinical significance of this variant is uncertain due to the absence of conclusive functional and genetic evidence.